The following is an entry in ClinVar:

ClinVar aggregate classification (germline): Uncertain significance. Review status: criteria provided, single submitter (1 of 4 stars). 2 submissions from 2 submitters: Uncertain significance (1). 1 of the submissions does not count toward it. Last evaluated 2024-07-26.

Allele frequency attached by ClinVar (database versions not stated): gnomAD exomes 0.00001; TOPMed 0.00003; gnomAD 0.00003.
gnomAD v4.1: 6 of 1,518,348 alleles (0.0004%); highest among the groups gnomAD compares: Admixed American, 0.012%; no homozygotes.

Submissions (2):

GeneDx
Classification: Uncertain significance. Last evaluated: 2024-07-26. Review status: criteria provided, single submitter. Criteria: GeneDx Variant Classification Process June 2021. Collection method: clinical testing. Allele origin: germline. Affected: yes.
Comment: In silico analysis supports a deleterious effect on splicing; In silico analysis indicates that this missense variant does not alter protein structure/function; Has not been previously published as pathogenic or benign to our knowledge

Department of Pathology and Laboratory Medicine, Sinai Health System
Classification: Uncertain significance. Review status: no assertion criteria provided. Collection method: clinical testing. Allele origin: unknown. Affected: yes. Study: The Canadian Open Genetics Repository (COGR). Not counted in ClinVar's aggregate classification.
Comment: The PTPRQ p.N52K variant was not identified in the literature nor was it identified in ClinVar. The variant was identified in dbSNP (ID: rs1171640162) and in control databases in 2 of 150674 chromosomes at a frequency of 0.00001327 (Genome Aggregation Database March 6, 2019, v2.1.1). The p.N52 residue is conserved in mammals and more distantly related organisms, and computational analyses (SIFT, MutationTaster, Revel, FATHMM, MetaLR, DANN) provide inconsistent predictions regarding the impact to the protein; this information is not very predictive of pathogenicity. The variant occurs outside of the splicing consensus sequence and in silico or computational prediction software programs (Splice AI exome, Splice AI Genome) predict a greater than 10% difference in splicing. However, this information is not predictive enough to assume pathogenicity. In summary, based on the above information the clinical significance of this variant cannot be determined with certainty at this time. This variant is classified as a variant of uncertain significance.

NM_001145026.2(PTPRQ):c.156T>G (p.Asn52Lys)

Gene: PTPRQ (protein tyrosine phosphatase receptor type Q; plus strand). Cytogenetic location: 12q21.31.
Variant type: single nucleotide variant.
Coding change: c.156T>G on transcript NM_001145026.2 (MANE Select); coding-DNA position 156, T replaced by G.
Protein change: p.Asn52Lys; replaces asparagine 52 with lysine.
Molecular consequence: missense variant.
Genome position (GRCh38, 1-based): chr12:80,444,842, T>G. VCF-style: chr12-80444842-T-G. GRCh37 (hg19) VCF-style: chr12-80838622-T-G.
Other names: c.156T>G (NM_001145026.1); short protein forms N52K.
Identifiers: ClinVar variation 1050335 (VCV001050335.2), dbSNP rs1171640162, ClinGen allele CA385866295.